The following is an entry in ClinVar:

NM_000260.4(MYO7A):c.4507G>T (p.Glu1503Ter)

Gene: MYO7A (myosin VIIA; plus strand). Cytogenetic location: 11q13.5.
Variant type: single nucleotide variant.
Coding change: c.4507G>T on transcript NM_000260.4 (MANE Select); coding-DNA position 4507, G replaced by T.
Protein change: p.Glu1503Ter; replaces glutamic acid 1503 with a stop codon.
Molecular consequence: nonsense.
Genome position (GRCh38, 1-based): chr11:77,198,560, G>T. VCF-style: chr11-77198560-G-T. GRCh37 (hg19) VCF-style: chr11-76909605-G-T.
Other names: c.4507G>T, p.Glu1503Ter (NM_001127180.2); c.4474G>T, p.Glu1492Ter (NM_001369365.1); short protein forms E1492*, E1503*.
Identifiers: ClinVar variation 983737 (VCV000983737.3), dbSNP rs1956843097, ClinGen allele CA381950335.

ClinVar aggregate classification (germline): Likely pathogenic (1 of 4 stars; one submission).

Conditions:
Usher syndrome type 1 (USH1). Also called: RETINITIS PIGMENTOSA AND CONGENITAL DEAFNESS. Identifiers: Orphanet 231169, Orphanet 886, MedGen C1568247, MONDO:0010168, OMIM 276900.

Submission:

Myriad Genetics, Inc.
Classification: Likely pathogenic for Usher syndrome type 1. Last evaluated: 2019-01-06. Review status: criteria provided, single submitter. Criteria: Myriad Women's Health Autosomal Recessive and X-Linked Classification Criteria (2019). Collection method: clinical testing. Allele origin: unknown.
Comment: NM_000260.3(MYO7A):c.4507G>T(E1503*) is expected to be pathogenic in the context of MYO7A-related disorders. This variant is predicted to lead to an abnormal or absent protein product due to the creation of a premature termination codon in MYO7A, a gene where loss-of-function variants are known to be pathogenic. Please note: this variant was assessed in the context of healthy population screening.